The following is an entry in ClinVar:

NM_001267550.2(TTN):c.17184A>G (p.Glu5728=)

Genes: TTN (titin; minus strand), LOC126806431 (CDK7 strongly-dependent group 2 enhancer GRCh37_chr2:179595719-179596918; plus strand). Cytogenetic location: 2q31.2.
Variant type: single nucleotide variant.
Coding change: c.17184A>G on transcript NM_001267550.2 (MANE Select); coding-DNA position 17184, A replaced by G.
Protein change: p.Glu5728=; no amino-acid change (glutamic acid 5728 retained).
Molecular consequence: synonymous variant. On other transcripts: intron variant (3).
Genome position (GRCh38, 1-based): chr2:178,731,582, T>C on the plus strand (A>G on the coding strand, the complement: TTN is on the minus strand). VCF-style: chr2-178731582-T-C. GRCh37 (hg19) VCF-style: chr2-179596309-T-C.
Other names: c.16233A>G, p.Glu5411= (NM_001256850.1); c.13452A>G, p.Glu4484= (NM_133378.4); c.13282+6500A>G (NM_003319.4); c.13858+6500A>G (NM_133437.4); c.13657+6500A>G (NM_133432.3).
Identifiers: ClinVar variation 263546 (VCV000263546.60), dbSNP rs200984007, ClinGen allele CA2001886.
Genomic context (GRCh38, chr2:178,731,582, plus strand): 5'-GGCAGCTGTGCCTCCCCGGAGGGAGCTGGTACTCTCGATCTTCTTTATGAAGGATGGGGG[T>C]TCTAACAGAAGAATGAATTCTCAATCAATATTATCCCTATAGCAAAAGTGGCTTAAAAAA-3'
Protein context (NP_001254479.2, residues 5718-5738): SICSARVTLR[Glu5728=]PPSFIKKIES

ClinVar aggregate classification (germline): Conflicting classifications of pathogenicity. Review status: criteria provided, conflicting classifications (1 of 4 stars). 7 submissions from 7 submitters: Uncertain significance (3); Likely benign (4). Last evaluated 2026-08-19.

Conditions:
Cardiovascular phenotype. Identifiers: MedGen CN230736.
TTN-related disorder. Also called: TTN-related disorders; TTN-related condition; TTN-related disease.
Autosomal recessive limb-girdle muscular dystrophy type 2J (LGMDR10). Also called: Limb-girdle muscular dystrophy, type 2J; MUSCULAR DYSTROPHY, LIMB-GIRDLE, AUTOSOMAL RECESSIVE 10. Identifiers: Orphanet 140922, MedGen C1837342, MONDO:0012127, OMIM 608807.
Dilated cardiomyopathy 1G (CMD1G). Identifiers: Orphanet 154, MedGen C1858763, MONDO:0011400, OMIM 604145.

Allele frequency attached by ClinVar (database versions not stated): ExAC 0.00005; TOPMed 0.00005; gnomAD 0.00008 and 0.00009; gnomAD exomes 0.00009 and 0.00011.
gnomAD v4.1: 169 of 1,589,790 alleles (0.011%); highest among the groups gnomAD compares: Non-Finnish European, 0.012%; no homozygotes.

Submissions (7):

PreventionGenetics, part of Exact Sciences
Classification: Likely benign for TTN-related condition. Last evaluated: 2026-08-19. Review status: criteria provided, single submitter. Criteria: ACMG Guidelines, 2015. Collection method: clinical testing. Allele origin: germline.
Comment: This variant is classified as likely benign based on ACMG/AMP sequence variant interpretation guidelines (Richards et al. 2015 PMID: 25741868, with internal and published modifications).

Labcorp Genetics (formerly Invitae), Labcorp
Classification: Likely benign for Dilated cardiomyopathy 1G; Autosomal recessive limb-girdle muscular dystrophy type 2J. Last evaluated: 2026-01-28. Review status: criteria provided, single submitter. Criteria: Invitae Variant Classification Sherloc (09022015). Collection method: clinical testing. Allele origin: germline.

Blueprint Genetics
Classification: Likely benign. Last evaluated: 2024-03-27. Review status: criteria provided, single submitter. Criteria: ACMG Guidelines, 2015. Collection method: clinical testing. Allele origin: germline.

Women's Health and Genetics/Laboratory Corporation of America, LabCorp
Classification: Uncertain significance. Last evaluated: 2024-01-03. Review status: criteria provided, single submitter. Criteria: LabCorp Variant Classification Summary - May 2015. Collection method: clinical testing. Allele origin: germline.
Comment: Variant summary: TTN c.13452A>G (p.Glu4484Glu) alters a non-conserved nucleotide located close to a canonical splice site and therefore could affect mRNA splicing, leading to a significantly altered protein sequence. Consensus agreement among computation tools predict no significant impact on normal splicing. However, these predictions have yet to be confirmed by functional studies. The variant allele was found at a frequency of 9.1e-05 in 231698 control chromosomes (gnomAD). To our knowledge, no occurrence of c.13452A>G in individuals affected with Limb-Girdle Muscular Dystrophy, Type 2J and no experimental evidence demonstrating its impact on protein function have been reported. Three submitters have cited clinical-significance assessments for this variant to ClinVar after 2014 and classified the variant as VUS (n=2) and likely benign (n=1). Based on the evidence outlined above, the variant was classified as uncertain significance.

CeGaT Center for Human Genetics Tuebingen
Classification: Uncertain significance. Last evaluated: 2019-06-01. Review status: criteria provided, single submitter. Criteria: CeGaT Center For Human Genetics Tuebingen Variant Classification Criteria Version 2. Collection method: clinical testing. Allele origin: germline. Affected: yes. Observed: 1 variant allele.

Eurofins Ntd Llc (ga)
Classification: Uncertain significance. Last evaluated: 2016-09-21. Review status: criteria provided, single submitter. Criteria: EGL Classification Definitions 2015. Collection method: clinical testing. Allele origin: germline. Observed: 5 variant alleles, 5 heterozygotes.

Ambry Genetics
Classification: Likely benign for Cardiovascular phenotype. Last evaluated: 2013-03-06. Review status: criteria provided, single submitter. Criteria: Ambry Autosomal Dominant and X-Linked criteria (10/2015). Collection method: clinical testing. Allele origin: germline. Observed: 1 variant allele.